The following is an entry in ClinVar:

NM_022436.3(ABCG5):c.1348G>C (p.Asp450His)

Genes: ABCG5 (ATP binding cassette subfamily G member 5; minus strand), DYNC2LI1 (dynein cytoplasmic 2 light intermediate chain 1; plus strand). Cytogenetic location: 2p21.
Variant type: single nucleotide variant.
Coding change: c.1348G>C on transcript NM_022436.3 (MANE Select); coding-DNA position 1348, G replaced by C.
Protein change: p.Asp450His; replaces aspartic acid 450 with histidine.
Molecular consequence: missense variant. On other transcripts: intron variant (2).
Genome position (GRCh38, 1-based): chr2:43,822,912, C>G on the plus strand (G>C on the coding strand, the complement: ABCG5 is on the minus strand). VCF-style: chr2-43822912-C-G. GRCh37 (hg19) VCF-style: chr2-44050051-C-G.
Other names: c.*16-4474C>G (NM_001348913.2, NM_001348912.2); short protein forms D450H.
Identifiers: ClinVar variation 1043557 (VCV001043557.14), dbSNP rs530616214, ClinGen allele CA46461482.

ClinVar aggregate classification (germline): Conflicting classifications of pathogenicity. Review status: criteria provided, conflicting classifications (1 of 4 stars). 6 submissions from 6 submitters: Likely pathogenic (1); Uncertain significance (5). Last evaluated 2026-02-23.

Conditions:
Sitosterolemia 2. Identifiers: MedGen C5231453, MONDO:0020748, OMIM 618666.
ABCG5-related disorder. Also called: ABCG5-related condition.
Sitosterolemia (STSL). Also called: PHYTOSTEROLEMIA. Identifiers: Orphanet 2882, MedGen C0342907, MONDO:0008863.
Cardiovascular phenotype. Identifiers: MedGen CN230736.

Allele frequency attached by ClinVar (database versions not stated): TOPMed 0.00001.
gnomAD v4.1: 8 of 1,613,948 alleles (0.0005%); highest among the groups gnomAD compares: Admixed American, 0.0083%; no homozygotes.

Submissions (6):

Ambry Genetics
Classification: Uncertain significance for Cardiovascular phenotype. Last evaluated: 2026-02-23. Review status: criteria provided, single submitter. Criteria: Ambry Variant Classification Scheme 2023. Collection method: clinical testing. Allele origin: germline.
Comment: The p.D450H variant (also known as c.1348G>C), located in coding exon 10 of the ABCG5 gene, results from a G to C substitution at nucleotide position 1348. The aspartic acid at codon 450 is replaced by histidine, an amino acid with similar properties. This amino acid position is highly conserved in available vertebrate species. In addition, this alteration is predicted to be deleterious by in silico analysis. Based on the available evidence, the clinical significance of this variant remains unclear.

Blueprint Genetics
Classification: Uncertain significance. Last evaluated: 2024-10-10. Review status: criteria provided, single submitter. Criteria: ACMG Guidelines, 2015. Collection method: clinical testing. Allele origin: germline.

Cardiovascular Genetics Laboratory, PathWest Laboratory Medicine WA - Fiona Stanley Hospital
Classification: Likely pathogenic for Sitosterolemia 2. Last evaluated: 2024-07-24. Review status: criteria provided, single submitter. Criteria: ACMG Guidelines, 2015. Collection method: clinical testing. Allele origin: germline.
Comment: The ABCG5 p.Asp450His missense variant is present at a very low frequency in the gnomAD v4.1.0 population database (highest minor allele frequency 0.00008334, Admixed American). This variant has previously been identified in a Micronesian population, where 2% of Kosraeans are carriers, and it is associated with increased plasma plant sterol levels (PMID:19667188).

Labcorp Genetics (formerly Invitae), Labcorp
Classification: Uncertain significance for Sitosterolemia. Last evaluated: 2023-10-07. Review status: criteria provided, single submitter. Criteria: Invitae Variant Classification Sherloc (09022015). Collection method: clinical testing. Allele origin: germline.
Comment: This sequence change replaces aspartic acid, which is acidic and polar, with histidine, which is basic and polar, at codon 450 of the ABCG5 protein (p.Asp450His). This variant is not present in population databases (gnomAD no frequency). This missense change has been observed in individual(s) with significantly increased plasma levels sitosterol and campesterol, but decreased plasma levels of lathosterol (PMID: 19667188). ClinVar contains an entry for this variant (Variation ID: 1043557). An algorithm developed to predict the effect of missense changes on protein structure and function (PolyPhen-2) suggests that this variant is likely to be disruptive. In summary, the available evidence is currently insufficient to determine the role of this variant in disease. Therefore, it has been classified as a Variant of Uncertain Significance.

Revvity Omics, Revvity
Classification: Uncertain significance for Sitosterolemia 2. Last evaluated: 2023-08-14. Review status: criteria provided, single submitter. Criteria: ACMG Guidelines, 2015. Collection method: clinical testing. Allele origin: germline.

PreventionGenetics, part of Exact Sciences
Classification: Uncertain significance for ABCG5-related condition. Last evaluated: 2023-02-16. Review status: criteria provided, single submitter. Criteria: ACMG Guidelines, 2015. Collection method: clinical testing. Allele origin: germline.
Comment: The ABCG5 c.1348G>C variant is predicted to result in the amino acid substitution p.Asp450His. To our knowledge, this variant has not been reported in the literature. This variant has not been reported in a large population database, indicating this variant is rare. At this time, the clinical significance of this variant is uncertain due to the absence of conclusive functional and genetic evidence.

Literature cited by the submitters: PubMed 19667188 (cited by Cardiovascular Genetics Laboratory, PathWest Laboratory Medicine WA - Fiona Stanley Hospital and Labcorp Genetics (formerly Invitae), Labcorp).